The following is an entry in ClinVar:

NM_001046.3(SLC12A2):c.347C>G (p.Thr116Ser)

Gene: SLC12A2 (solute carrier family 12 member 2; plus strand). Cytogenetic location: 5q23.3.
Variant type: single nucleotide variant.
Coding change: c.347C>G on transcript NM_001046.3 (MANE Select); coding-DNA position 347, C replaced by G.
Protein change: p.Thr116Ser; replaces threonine 116 with serine.
Molecular consequence: missense variant. On other transcripts: non-coding transcript variant (1).
Genome position (GRCh38, 1-based): chr5:128,084,301, C>G. VCF-style: chr5-128084301-C-G. GRCh37 (hg19) VCF-style: chr5-127419993-C-G.
Other names: c.347C>G, p.Thr116Ser (NM_001256461.2); short protein forms T116S.
Identifiers: ClinVar variation 2111157 (VCV002111157.4), dbSNP rs1257964723, ClinGen allele CA360736309.

ClinVar aggregate classification (germline): Uncertain significance (1 of 4 stars; one submission).

Submission:

Labcorp Genetics (formerly Invitae), Labcorp
Classification: Uncertain significance. Last evaluated: 2022-10-19. Review status: criteria provided, single submitter. Criteria: Invitae Variant Classification Sherloc (09022015). Collection method: clinical testing. Allele origin: germline.
Comment: In summary, the available evidence is currently insufficient to determine the role of this variant in disease. Therefore, it has been classified as a Variant of Uncertain Significance. Advanced modeling of protein sequence and biophysical properties (such as structural, functional, and spatial information, amino acid conservation, physicochemical variation, residue mobility, and thermodynamic stability) performed at Invitae indicates that this missense variant is not expected to disrupt SLC12A2 protein function. This variant has not been reported in the literature in individuals affected with SLC12A2-related conditions. This variant is not present in population databases (gnomAD no frequency). This sequence change replaces threonine, which is neutral and polar, with serine, which is neutral and polar, at codon 116 of the SLC12A2 protein (p.Thr116Ser).